The following is an entry in ClinVar:

ClinVar aggregate classification (germline): Uncertain significance. Review status: criteria provided, multiple submitters, no conflicts (2 of 4 stars). 3 submissions from 3 submitters: Uncertain significance (3). Last evaluated 2025-10-08.

Allele frequency attached by ClinVar (database versions not stated): gnomAD 0.00003 and 0.00004.

Submissions (3):

Labcorp Genetics (formerly Invitae), Labcorp
Classification: Uncertain significance. Last evaluated: 2025-10-08. Review status: criteria provided, single submitter. Criteria: Invitae Variant Classification Sherloc (09022015). Collection method: clinical testing. Allele origin: germline.
Comment: This sequence change replaces alanine, which is neutral and non-polar, with valine, which is neutral and non-polar, at codon 385 of the TUBA8 protein (p.Ala385Val). This variant is present in population databases (rs756503256, gnomAD 0.006%). This variant has not been reported in the literature in individuals affected with TUBA8-related conditions. ClinVar contains an entry for this variant (Variation ID: 1481470). Invitae Evidence Modeling of protein sequence and biophysical properties (such as structural, functional, and spatial information, amino acid conservation, physicochemical variation, residue mobility, and thermodynamic stability) indicates that this missense variant is not expected to disrupt TUBA8 protein function with a negative predictive value of 80%. In summary, the available evidence is currently insufficient to determine the role of this variant in disease. Therefore, it has been classified as a Variant of Uncertain Significance.

Center for Genomic Medicine, Rigshospitalet, Copenhagen University Hospital
Classification: Uncertain significance. Last evaluated: 2025-03-04. Review status: criteria provided, single submitter. Criteria: ACMG Guidelines, 2015. Collection method: clinical testing. Allele origin: germline.

Ambry Genetics
Classification: Uncertain significance. Last evaluated: 2024-01-31. Review status: criteria provided, single submitter. Criteria: Ambry Variant Classification Scheme 2023. Collection method: clinical testing. Allele origin: germline.

NM_018943.3(TUBA8):c.1154C>T (p.Ala385Val)

Gene: TUBA8 (tubulin alpha 8; plus strand). Cytogenetic location: 22q11.21.
Variant type: single nucleotide variant.
Coding change: c.1154C>T on transcript NM_018943.3 (MANE Select); coding-DNA position 1154, C replaced by T.
Protein change: p.Ala385Val; replaces alanine 385 with valine.
Molecular consequence: missense variant.
Genome position (GRCh38, 1-based): chr22:18,130,940, C>T. VCF-style: chr22-18130940-C-T. GRCh37 (hg19) VCF-style: chr22-18613707-C-T.
Other names: c.956C>T, p.Ala319Val (NM_001193414.2); c.1154C>T (NM_018943.2); short protein forms A319V, A385V.
Identifiers: ClinVar variation 1481470 (VCV001481470.8), dbSNP rs756503256, ClinGen allele CA10093853.